The following is an entry in ClinVar:

ClinVar aggregate classification (germline): Likely pathogenic (1 of 4 stars; one submission).

Conditions:
Dilated cardiomyopathy 1G (CMD1G). Identifiers: Orphanet 154, MedGen C1858763, MONDO:0011400, OMIM 604145.
Autosomal recessive limb-girdle muscular dystrophy type 2J (LGMDR10). Also called: Limb-girdle muscular dystrophy, type 2J; MUSCULAR DYSTROPHY, LIMB-GIRDLE, AUTOSOMAL RECESSIVE 10. Identifiers: Orphanet 140922, MedGen C1837342, MONDO:0012127, OMIM 608807.

Submission:

Labcorp Genetics (formerly Invitae), Labcorp
Classification: Likely pathogenic for Dilated cardiomyopathy 1G; Autosomal recessive limb-girdle muscular dystrophy type 2J. Last evaluated: 2024-10-31. Review status: criteria provided, single submitter. Criteria: Invitae Variant Classification Sherloc (09022015). Collection method: clinical testing. Allele origin: germline.
Comment: This sequence change creates a premature translational stop signal (p.Gly20681Aspfs*11) in the TTN gene. While this is not anticipated to result in nonsense mediated decay, it is expected to create a truncated TTN protein. This variant is not present in population databases (gnomAD no frequency). This variant has not been reported in the literature in individuals affected with TTN-related conditions. This variant is located in the A band of TTN (PMID: 25589632). Truncating variants in this region are significantly overrepresented in patients affected with dilated cardiomyopathy (PMID: 25589632). Truncating variants in this region have also been reported in individuals affected with autosomal recessive centronuclear myopathy (PMID: 23975875). In summary, the currently available evidence indicates that the variant is pathogenic, but additional data are needed to prove that conclusively. Therefore, this variant has been classified as Likely Pathogenic.

Literature cited by the submitters: PubMed 25589632; PubMed 23975875.

NM_001267550.2(TTN):c.62042_62046del (p.Gly20681fs)

Genes: TTN (titin; minus strand), TTN-AS1 (TTN antisense RNA 1; plus strand). Cytogenetic location: 2q31.2.
Variant type: Deletion.
Coding change: c.62042_62046del on transcript NM_001267550.2 (MANE Select); coding-DNA positions 62042 to 62046, 5 bases deleted (GAAAG; older notation c.62042_62046delGAAAG).
Protein change: p.Gly20681fs; shifts the reading frame from glycine 20681.
Molecular consequence: frameshift variant.
Genome position (GRCh38, 1-based): chr2:178,589,679-178,589,683, CTTTC deleted on the plus strand (GAAAG on the coding strand, the reverse complement: TTN is on the minus strand); deleting any 5 consecutive bases within chr2:178,589,679-178,589,687 gives the same sequence; the c. name uses the placement nearest the transcript's 3' end. VCF-style (leftmost placement, unchanged base first): chr2-178589678-TCTTTC-T. GRCh37 (hg19) VCF-style: chr2-179454405-TCTTTC-T.
Other names: c.57119_57123del, p.Gly19040fs (NM_001256850.1); c.34847_34851del, p.Gly11616fs (NM_003319.4); c.54338_54342del, p.Gly18113fs (NM_133378.4); c.35222_35226del, p.Gly11741fs (NM_133432.3); c.35423_35427del, p.Gly11808fs (NM_133437.4); short protein forms G11616fs, G11741fs, G11808fs, G18113fs, G19040fs, G20681fs.
Identifiers: ClinVar variation 3759660 (VCV003759660.2).
Genomic context (GRCh38, chr2:178,589,678, plus strand): 5'-ATGACAGATTTGGACTGCCACCATCATAGTCAGGCCTCCGCCACTTTAGATAGACAAATG[TCTTTC>T]CTTTATCTGCAATGTGAAGGTTTTCAGGCTCACCTGGTCTGTCAATAGGGTTAATAGCCA-3'